The following is an entry in ClinVar:

ClinVar aggregate classification (germline): Uncertain significance. Review status: criteria provided, multiple submitters, no conflicts (2 of 4 stars). 2 submissions from 2 submitters: Uncertain significance (2). Last evaluated 2025-11-25.

Conditions:
Dyskeratosis congenita. Identifiers: Orphanet 1775, MedGen C0265965, MONDO:0015780.
Dyskeratosis congenita, X-linked (DKCX). Also called: Zinsser-Cole-Engman Syndrome. Identifiers: MedGen C1148551, MONDO:0010584, OMIM 305000.

Allele frequency attached by ClinVar (database versions not stated): gnomAD 0.00001 and 0.00002; TOPMed 0.00001; gnomAD exomes 0.00008; ExAC 0.00009; 1000 Genomes Project 30x 0.00021; 1000 Genomes Project 0.00026.
gnomAD v4.1: 29 of 1,210,304 alleles (0.0024%); highest among the groups gnomAD compares: Admixed American, 0.024%; no homozygotes.

Submissions (2):

Labcorp Genetics (formerly Invitae), Labcorp
Classification: Uncertain significance for Dyskeratosis congenita. Last evaluated: 2025-11-25. Review status: criteria provided, single submitter. Criteria: Invitae Variant Classification Sherloc (09022015). Collection method: clinical testing. Allele origin: germline.
Comment: This sequence change replaces glutamic acid, which is acidic and polar, with lysine, which is basic and polar, at codon 440 of the DKC1 protein (p.Glu440Lys). This variant is present in population databases (rs782193188, gnomAD 0.02%), and has an allele count higher than expected for a pathogenic variant. This variant has not been reported in the literature in individuals affected with DKC1-related conditions. ClinVar contains an entry for this variant (Variation ID: 1384870). Invitae Evidence Modeling of protein sequence and biophysical properties (such as structural, functional, and spatial information, amino acid conservation, physicochemical variation, residue mobility, and thermodynamic stability) indicates that this missense variant is not expected to disrupt DKC1 protein function with a negative predictive value of 80%. In summary, the available evidence is currently insufficient to determine the role of this variant in disease. Therefore, it has been classified as a Variant of Uncertain Significance.

St. Jude Molecular Pathology, St. Jude Children's Research Hospital
Classification: Uncertain significance for Dyskeratosis congenita, X-linked. Last evaluated: 2022-10-25. Review status: criteria provided, single submitter. Criteria: St. Jude Assertion Criteria 2020. Collection method: clinical testing. Allele origin: germline.
Comment: The DKC1 c.1318G>A (p.Glu440Lys) missense change has a maximum subpopulation frequency of 0.033% in gnomAD v2.1.1 including four hemizygotes. The in silico tool REVEL predicts a benign effect on protein function, but to our knowledge this prediction has not been confirmed by functional studies. This variant has been reported in at least one individual with a myeloid malignancy (PMID: 31911633). In summary, the evidence currently available is insufficient to determine the clinical significance of this variant. It has therefore been classified as of uncertain significance.

NM_001363.5(DKC1):c.1318G>A (p.Glu440Lys)

Gene: DKC1 (dyskerin pseudouridine synthase 1; plus strand). Cytogenetic location: Xq28.
Variant type: single nucleotide variant.
Coding change: c.1318G>A on transcript NM_001363.5 (MANE Select); coding-DNA position 1318, G replaced by A.
Protein change: p.Glu440Lys; replaces glutamic acid 440 with lysine.
Molecular consequence: missense variant. On other transcripts: 3 prime UTR variant (1), non-coding transcript variant (3).
Genome position (GRCh38, 1-based): chrX:154,775,253, G>A. VCF-style: chrX-154775253-G-A. GRCh37 (hg19) VCF-style: chrX-154003528-G-A.
Other names: c.1318G>A (NM_001363.4); c.1303G>A, p.Glu435Lys (NM_001142463.3); c.*544G>A (NM_001288747.2); short protein forms E440K, E435K.
Identifiers: ClinVar variation 1384870 (VCV001384870.7), dbSNP rs782193188, ClinGen allele CA10567254.